The following is an entry in ClinVar:

NM_001346754.2(PIGW):c.1256C>A (p.Thr419Lys)

Genes: MYO19 (myosin XIX; minus strand), PIGW (phosphatidylinositol glycan anchor biosynthesis class W; plus strand). Cytogenetic location: 17q12.
Variant type: single nucleotide variant.
Coding change: c.1256C>A on transcript NM_001346754.2 (MANE Select); coding-DNA position 1256, C replaced by A.
Protein change: p.Thr419Lys; replaces threonine 419 with lysine.
Molecular consequence: missense variant.
Genome position (GRCh38, 1-based): chr17:36,538,357, C>A. VCF-style: chr17-36538357-C-A. GRCh37 (hg19) VCF-style: chr17-34894206-C-A.
Other names: c.1256C>A, p.Thr419Lys (NM_001346755.2, NM_178517.5); short protein forms T419K.
Identifiers: ClinVar variation 1353848 (VCV001353848.8), dbSNP rs2142621645, ClinGen allele CA399164581.

ClinVar aggregate classification (germline): Uncertain significance (1 of 4 stars; one submission).

Conditions:
Hyperphosphatasia with intellectual disability syndrome 5 (GPIBD11). Also called: GLYCOSYLPHOSPHATIDYLINOSITOL BIOSYNTHESIS DEFECT 11. Identifiers: Orphanet 247262, MedGen C4014958, MONDO:0014457, OMIM 616025.

Submission:

Labcorp Genetics (formerly Invitae), Labcorp
Classification: Uncertain significance for Hyperphosphatasia with intellectual disability syndrome 5. Last evaluated: 2020-12-04. Review status: criteria provided, single submitter. Criteria: Invitae Variant Classification Sherloc (09022015). Collection method: clinical testing. Allele origin: germline.
Comment: In summary, the available evidence is currently insufficient to determine the role of this variant in disease. Therefore, it has been classified as a Variant of Uncertain Significance. Algorithms developed to predict the effect of missense changes on protein structure and function (SIFT, PolyPhen-2, Align-GVGD) all suggest that this variant is likely to be tolerated, but these predictions have not been confirmed by published functional studies and their clinical significance is uncertain. This variant has not been reported in the literature in individuals with PIGW-related conditions. This variant is not present in population databases (ExAC no frequency). This sequence change replaces threonine with lysine at codon 419 of the PIGW protein (p.Thr419Lys). The threonine residue is weakly conserved and there is a moderate physicochemical difference between threonine and lysine.